The following is an entry in ClinVar:

ClinVar aggregate classification (germline): Uncertain significance (1 of 4 stars; one submission).

Conditions:
Neutropenia, severe congenital, 2, autosomal dominant. Identifiers: Orphanet 486, MedGen C2751288, MONDO:0013139, OMIM 613107.

Submission:

Labcorp Genetics (formerly Invitae), Labcorp
Classification: Uncertain significance for Neutropenia, severe congenital, 2, autosomal dominant. Last evaluated: 2022-05-20. Review status: criteria provided, single submitter. Criteria: Invitae Variant Classification Sherloc (09022015). Collection method: clinical testing. Allele origin: germline.
Comment: In summary, the available evidence is currently insufficient to determine the role of this variant in disease. Therefore, it has been classified as a Variant of Uncertain Significance. Algorithms developed to predict the effect of missense changes on protein structure and function (SIFT, PolyPhen-2, Align-GVGD) all suggest that this variant is likely to be tolerated. This variant has not been reported in the literature in individuals affected with GFI1-related conditions. This variant is not present in population databases (gnomAD no frequency). This sequence change replaces glycine, which is neutral and non-polar, with alanine, which is neutral and non-polar, at codon 251 of the GFI1 protein (p.Gly251Ala).

NM_005263.5(GFI1):c.752G>C (p.Gly251Ala)

Gene: GFI1 (growth factor independent 1 transcriptional repressor; minus strand). Cytogenetic location: 1p22.1.
Variant type: single nucleotide variant.
Coding change: c.752G>C on transcript NM_005263.5 (MANE Select); coding-DNA position 752, G replaced by C.
Protein change: p.Gly251Ala; replaces glycine 251 with alanine.
Molecular consequence: missense variant.
Genome position (GRCh38, 1-based): chr1:92,480,635, C>G on the plus strand (G>C on the coding strand, the complement: GFI1 is on the minus strand). VCF-style: chr1-92480635-C-G. GRCh37 (hg19) VCF-style: chr1-92946192-C-G.
Other names: c.752G>C, p.Gly251Ala (NM_001127215.3, NM_001127216.3); short protein forms G251A.
Identifiers: ClinVar variation 2133102 (VCV002133102.4), dbSNP rs1482315103, ClinGen allele CA341149032.